The following is an entry in ClinVar:

NM_000337.6(SGCD):c.3+14G>A

Gene: SGCD (sarcoglycan delta; plus strand). Cytogenetic location: 5q33.3.
Variant type: single nucleotide variant.
Coding change: c.3+14G>A on transcript NM_000337.6 (MANE Select); 14 bases into the intron after coding-DNA position 3, G replaced by A.
Molecular consequence: intron variant.
Genome position (GRCh38, 1-based): chr5:156,329,593, G>A. VCF-style: chr5-156329593-G-A. GRCh37 (hg19) VCF-style: chr5-155756603-G-A.
Other names: c.-1+2361G>A (NM_001128209.2); c.3+14G>A (NM_172244.3).
Identifiers: ClinVar variation 506908 (VCV000506908.13), dbSNP rs538229806, ClinGen allele CA3530438.

ClinVar aggregate classification (germline): Conflicting classifications of pathogenicity. Review status: criteria provided, conflicting classifications (1 of 4 stars). 4 submissions from 4 submitters: Uncertain significance (1); Benign (1); Likely benign (2). Last evaluated 2026-02-01.

Conditions:
Qualitative or quantitative defects of delta-sarcoglycan. Identifiers: Orphanet 207070, MedGen C5680806, MONDO:0016144.
Autosomal recessive limb-girdle muscular dystrophy type 2F (LGMDR6). Also called: Muscular dystrophy limb-girdle with delta-sarcoglyan deficiency; MUSCULAR DYSTROPHY, LIMB-GIRDLE, AUTOSOMAL RECESSIVE 6. Identifiers: Orphanet 219, MedGen C1832525, MONDO:0011028, OMIM 601287. Disease mechanism: Affects gamma-sarcoglycan and also disrupts the integrity of the entire sarcoglycan complex..

Allele frequency attached by ClinVar (database versions not stated): gnomAD 0.00003; 1000 Genomes Project 30x 0.00016; 1000 Genomes Project 0.00020.
gnomAD v4.1: 173 of 1,611,884 alleles (0.011%); highest among the groups gnomAD compares: South Asian, 0.17%; 1 homozygote.

Submissions (4):

Labcorp Genetics (formerly Invitae), Labcorp
Classification: Benign for Autosomal recessive limb-girdle muscular dystrophy type 2F. Last evaluated: 2026-02-01. Review status: criteria provided, single submitter. Criteria: Invitae Variant Classification Sherloc (09022015). Collection method: clinical testing. Allele origin: germline.

Blueprint Genetics
Classification: Likely benign. Last evaluated: 2024-02-07. Review status: criteria provided, single submitter. Criteria: ACMG Guidelines, 2015. Collection method: clinical testing. Allele origin: germline.

Illumina Laboratory Services, Illumina
Classification: Uncertain significance for Qualitative or quantitative defects of delta-sarcoglycan. Last evaluated: 2018-01-13. Review status: criteria provided, single submitter. Criteria: ICSL Variant Classification Criteria 13 December 2019. Collection method: clinical testing. Allele origin: germline.

GeneDx
Classification: Likely benign. Last evaluated: 2017-08-03. Review status: criteria provided, single submitter. Criteria: GeneDx Variant Classification (06012015). Collection method: clinical testing. Allele origin: germline. Affected: yes.
Comment: This variant is considered likely benign or benign based on one or more of the following criteria: it is a conservative change, it occurs at a poorly conserved position in the protein, it is predicted to be benign by multiple in silico algorithms, and/or has population frequency not consistent with disease.